The following is an entry in ClinVar:

NM_000094.4(COL7A1):c.6724G>A (p.Gly2242Arg)

Gene: COL7A1 (collagen type VII alpha 1 chain; minus strand). Cytogenetic location: 3p21.31.
Variant type: single nucleotide variant.
Coding change: c.6724G>A on transcript NM_000094.4 (MANE Select); coding-DNA position 6724, G replaced by A.
Protein change: p.Gly2242Arg; replaces glycine 2242 with arginine.
Molecular consequence: missense variant.
Genome position (GRCh38, 1-based): chr3:48,573,047, C>T on the plus strand (G>A on the coding strand, the complement: COL7A1 is on the minus strand). VCF-style: chr3-48573047-C-T. GRCh37 (hg19) VCF-style: chr3-48610480-C-T.
Other names: c.6724G>A (NM_000094.3); short protein forms G2242R.
Identifiers: ClinVar variation 17439 (VCV000017439.5), dbSNP rs121912837, ClinGen allele CA127194.

ClinVar aggregate classification (germline): Pathogenic. Review status: criteria provided, multiple submitters, no conflicts (2 of 4 stars). 3 submissions from 3 submitters: Pathogenic (2). 1 of the submissions does not count toward it. Last evaluated 2024-12-08.

Conditions:
Epidermolysis bullosa pruriginosa, autosomal dominant. Identifiers: MedGen C2675780.

Submissions (3):

Labcorp Genetics (formerly Invitae), Labcorp
Classification: Pathogenic. Last evaluated: 2024-12-08. Review status: criteria provided, single submitter. Criteria: Invitae Variant Classification Sherloc (09022015). Collection method: clinical testing. Allele origin: germline.
Comment: This sequence change replaces glycine, which is neutral and non-polar, with arginine, which is basic and polar, at codon 2242 of the COL7A1 protein (p.Gly2242Arg). This variant is not present in population databases (gnomAD no frequency). This missense change has been observed in individual(s) with autosomal dominant dystrophic epidermolysis bullosa (PMID: 9182828, 10383749, 10504458). It has also been observed to segregate with disease in related individuals. ClinVar contains an entry for this variant (Variation ID: 17439). Invitae Evidence Modeling of protein sequence and biophysical properties (such as structural, functional, and spatial information, amino acid conservation, physicochemical variation, residue mobility, and thermodynamic stability) indicates that this missense variant is expected to disrupt COL7A1 protein function with a positive predictive value of 95%. This variant disrupts the triple helix domain of COL7A1. Glycine residues within the Gly-Xaa-Yaa repeats of the triple helix domain are required for the structure and stability of fibrillar collagens (PMID: 7695699, 8218237, 19344236), and variants at these glycine residues in COL7A1 are more frequently observed in individuals with disease than in the general population (PMID: 22058051). However, the clinical significance of this observation remains uncertain since only a limited number of affected individuals have been described to date. For these reasons, this variant has been classified as Pathogenic.

GeneDx
Classification: Pathogenic. Last evaluated: 2024-11-11. Review status: criteria provided, single submitter. Criteria: GeneDx Variant Classification Process June 2021. Collection method: clinical testing. Allele origin: germline.
Comment: Located in the highly conserved Gly-X-Y repeat of the collagenous domain; Glycine substitution variants in this region of the COLVII protein destabilize the collagen triple helix resulting in skin fragility due to poor anchoring of the basement membrane to the underlying dermis (PMID: 20301481); Same amino acid substitution caused by a different nucleotide change (c.6724G>C) has been reported as pathogenic in the published literature and at GeneDx in association with DEB (PMID: 25356970, 24901346); Missense variants at this codon (G2242E) and in nearby Glycine residues (G2239D, G2239V, G2245D, G2245R, G2245S, G2245V) have been reported in association with a COL7A1-related phenotype in ClinVar, the Human Gene Mutation Database, and/or individuals tested at GeneDx (PMID: 21448560, 10504458, 21629976); Not observed at significant frequency in large population cohorts (gnomAD); In silico analysis supports that this missense variant has a deleterious effect on protein structure/function; This variant is associated with the following publications: (PMID: 25525159, 18558993, 21448560, 10383749, 9182828, 20301481, 10504458, 21629976, 25356970, 24901346)

OMIM
Classification: Pathogenic for EPIDERMOLYSIS BULLOSA PRURIGINOSA, AUTOSOMAL DOMINANT. Last evaluated: 1999-06-01. Review status: no assertion criteria provided. Collection method: literature only. Allele origin: germline. Not counted in ClinVar's aggregate classification.

Literature cited by the submitters: PubMed 9182828 (cited by Labcorp Genetics (formerly Invitae), Labcorp and OMIM); PubMed 10383749 (cited by Labcorp Genetics (formerly Invitae), Labcorp and OMIM); PubMed 10504458 (cited by Labcorp Genetics (formerly Invitae), Labcorp); PubMed 7695699 (cited by Labcorp Genetics (formerly Invitae), Labcorp); PubMed 8218237 (cited by Labcorp Genetics (formerly Invitae), Labcorp); PubMed 19344236 (cited by Labcorp Genetics (formerly Invitae), Labcorp); PubMed 22058051 (cited by Labcorp Genetics (formerly Invitae), Labcorp).